The following is an entry in ClinVar:

NM_024675.4(PALB2):c.3095T>C (p.Met1032Thr)

Gene: PALB2 (partner and localizer of BRCA2; minus strand). Cytogenetic location: 16p12.2.
Variant type: single nucleotide variant.
Coding change: c.3095T>C on transcript NM_024675.4 (MANE Select); coding-DNA position 3095, T replaced by C.
Protein change: p.Met1032Thr; replaces methionine 1032 with threonine.
Molecular consequence: missense variant.
Genome position (GRCh38, 1-based): chr16:23,621,380, A>G on the plus strand (T>C on the coding strand, the complement: PALB2 is on the minus strand). VCF-style: chr16-23621380-A-G. GRCh37 (hg19) VCF-style: chr16-23632701-A-G.
Other names: c.3035T>C, p.Met1012Thr (NM_001407296.1); c.3023T>C, p.Met1008Thr (NM_001407297.1); c.2933T>C, p.Met978Thr (NM_001407298.1, NM_001407302.1); c.3095T>C, p.Met1032Thr (NM_001407299.1, NM_001407301.1); c.2210T>C, p.Met737Thr (NM_001407304.1, NM_001407305.1, NM_001407306.1 and 4 more transcripts); c.2048T>C, p.Met683Thr (NM_001407307.1); c.1307T>C, p.Met436Thr (NM_001407312.1, NM_001407313.1); c.629T>C, p.Met210Thr (NM_001407314.1); short protein forms M436T, M737T, M1008T, M1012T, M1032T, M210T, M683T, M978T.
Identifiers: ClinVar variation 1727505 (VCV001727505.3), dbSNP rs745562326, ClinGen allele CA7963437.
Genomic context (GRCh38, chr16:23,621,380, plus strand): 5'-TACTACAGATGAGGGAACTGAGGACCTAGAGGGAAAGCTTACCAAATAACAATGTTGTTC[A>G]TAATAGTAGTACCAAGCAGAGCTTCTTGCATCCCTTGGACCTCAGCAAAAGTTAGTATAG-3'
Protein context (NP_078951.2, residues 1022-1042): MQEALLGTTI[Met1032Thr]NNIVIWNLKT

ClinVar aggregate classification (germline): Uncertain significance. Review status: criteria provided, multiple submitters, no conflicts (2 of 4 stars). 2 submissions from 2 submitters: Uncertain significance (2). Last evaluated 2025-05-15.

Conditions:
Hereditary cancer-predisposing syndrome. Also called: Tumor predisposition; Neoplastic Syndromes, Hereditary; Hereditary Cancer Syndrome; Hereditary neoplastic syndrome. Identifiers: Orphanet 140162, MedGen C0027672, MeSH D009386, MONDO:0015356.
Familial cancer of breast. Also called: Hereditary breast cancer; BREAST CANCER, FAMILIAL; hereditary breast carcinoma. Identifiers: Orphanet 227535, MedGen C0346153, MONDO:0016419, OMIM 114480. Disease mechanism: loss of function.

Allele frequency attached by ClinVar (database versions not stated): gnomAD exomes below 0.00001; gnomAD 0.00001; ExAC 0.00002.

Submissions (2):

Labcorp Genetics (formerly Invitae), Labcorp
Classification: Uncertain significance for Familial cancer of breast. Last evaluated: 2025-05-15. Review status: criteria provided, single submitter. Criteria: Invitae Variant Classification Sherloc (09022015). Collection method: clinical testing. Allele origin: germline.
Comment: This sequence change replaces methionine, which is neutral and non-polar, with threonine, which is neutral and polar, at codon 1032 of the PALB2 protein (p.Met1032Thr). This variant is present in population databases (rs745562326, gnomAD 0.004%). This variant has not been reported in the literature in individuals affected with PALB2-related conditions. ClinVar contains an entry for this variant (Variation ID: 1727505). Invitae Evidence Modeling of protein sequence and biophysical properties (such as structural, functional, and spatial information, amino acid conservation, physicochemical variation, residue mobility, and thermodynamic stability) indicates that this missense variant is not expected to disrupt PALB2 protein function with a negative predictive value of 80%. In summary, the available evidence is currently insufficient to determine the role of this variant in disease. Therefore, it has been classified as a Variant of Uncertain Significance.

Ambry Genetics
Classification: Uncertain significance for Hereditary cancer-predisposing syndrome. Last evaluated: 2021-02-19. Review status: criteria provided, single submitter. Criteria: Ambry Variant Classification Scheme 2023. Collection method: clinical testing. Allele origin: germline.
Comment: The p.M1032T variant (also known as c.3095T>C), located in coding exon 10 of the PALB2 gene, results from a T to C substitution at nucleotide position 3095. The methionine at codon 1032 is replaced by threonine, an amino acid with similar properties. This amino acid position is not well conserved in available vertebrate species. In addition, this alteration is predicted to be tolerated by in silico analysis. Since supporting evidence is limited at this time, the clinical significance of this alteration remains unclear.